The following is an entry in ClinVar:

NM_001205293.3(CACNA1E):c.6101T>C (p.Leu2034Ser)

Gene: CACNA1E (calcium voltage-gated channel subunit alpha1 E; plus strand). Cytogenetic location: 1q25.3.
Variant type: single nucleotide variant.
Coding change: c.6101T>C on transcript NM_001205293.3 (MANE Select); coding-DNA position 6101, T replaced by C.
Protein change: p.Leu2034Ser; replaces leucine 2034 with serine.
Molecular consequence: missense variant.
Genome position (GRCh38, 1-based): chr1:181,794,937, T>C. VCF-style: chr1-181794937-T-C. GRCh37 (hg19) VCF-style: chr1-181764073-T-C.
Other names: c.5972T>C, p.Leu1991Ser (NM_000721.4); c.5915T>C, p.Leu1972Ser (NM_001205294.2); short protein forms L1972S, L1991S, L2034S.
Identifiers: ClinVar variation 1716415 (VCV001716415.5), dbSNP rs2525489315, ClinGen allele CA343632724.

ClinVar aggregate classification (germline): Uncertain significance (1 of 4 stars; one submission).

Submission:

Labcorp Genetics (formerly Invitae), Labcorp
Classification: Uncertain significance. Last evaluated: 2023-08-30. Review status: criteria provided, single submitter. Criteria: Invitae Variant Classification Sherloc (09022015). Collection method: clinical testing. Allele origin: germline.
Comment: This sequence change replaces leucine, which is neutral and non-polar, with serine, which is neutral and polar, at codon 1991 of the CACNA1E protein (p.Leu1991Ser). This variant is not present in population databases (gnomAD no frequency). This variant has not been reported in the literature in individuals affected with CACNA1E-related conditions. ClinVar contains an entry for this variant (Variation ID: 1716415). Advanced modeling of protein sequence and biophysical properties (such as structural, functional, and spatial information, amino acid conservation, physicochemical variation, residue mobility, and thermodynamic stability) has been performed at Invitae for this missense variant, however the output from this modeling did not meet the statistical confidence thresholds required to predict the impact of this variant on CACNA1E protein function. In summary, the available evidence is currently insufficient to determine the role of this variant in disease. Therefore, it has been classified as a Variant of Uncertain Significance.